The following is an entry in ClinVar:

NM_006158.5(NEFL):c.1027G>A (p.Asp343Asn)

Gene: NEFL (neurofilament light chain; minus strand). Cytogenetic location: 8p21.2.
Variant type: single nucleotide variant.
Coding change: c.1027G>A on transcript NM_006158.5 (MANE Select); coding-DNA position 1027, G replaced by A.
Protein change: p.Asp343Asn; replaces aspartic acid 343 with asparagine.
Molecular consequence: missense variant.
Genome position (GRCh38, 1-based): chr8:24,955,489, C>T on the plus strand (G>A on the coding strand, the complement: NEFL is on the minus strand). VCF-style: chr8-24955489-C-T. GRCh37 (hg19) VCF-style: chr8-24813003-C-T.
Other names: short protein forms D343N.
Identifiers: ClinVar variation 843667 (VCV000843667.7), dbSNP rs973190345, ClinGen allele CA174060438.

ClinVar aggregate classification (germline): Uncertain significance. Review status: criteria provided, multiple submitters, no conflicts (2 of 4 stars). 2 submissions from 2 submitters: Uncertain significance (2). Last evaluated 2024-09-23.

Conditions:
Charcot-Marie-Tooth disease type 2E (CMT2E). Also called: CHARCOT-MARIE-TOOTH NEUROPATHY, TYPE 2E; CHARCOT-MARIE-TOOTH DISEASE, AXONAL, TYPE 2E. Identifiers: Orphanet 99939, MedGen C1843225, MONDO:0011894, OMIM 607684.

Allele frequency attached by ClinVar (database versions not stated): gnomAD exomes 0.00001; TOPMed 0.00002.

Submissions (2):

Labcorp Genetics (formerly Invitae), Labcorp
Classification: Uncertain significance for Charcot-Marie-Tooth disease type 2E. Last evaluated: 2024-09-23. Review status: criteria provided, single submitter. Criteria: Invitae Variant Classification Sherloc (09022015). Collection method: clinical testing. Allele origin: germline.
Comment: This sequence change replaces aspartic acid, which is acidic and polar, with asparagine, which is neutral and polar, at codon 343 of the NEFL protein (p.Asp343Asn). This variant is not present in population databases (gnomAD no frequency). This variant has not been reported in the literature in individuals affected with NEFL-related conditions. ClinVar contains an entry for this variant (Variation ID: 843667). Invitae Evidence Modeling of protein sequence and biophysical properties (such as structural, functional, and spatial information, amino acid conservation, physicochemical variation, residue mobility, and thermodynamic stability) indicates that this missense variant is not expected to disrupt NEFL protein function with a negative predictive value of 80%. In summary, the available evidence is currently insufficient to determine the role of this variant in disease. Therefore, it has been classified as a Variant of Uncertain Significance.

Blueprint Genetics
Classification: Uncertain significance. Last evaluated: 2023-09-21. Review status: criteria provided, single submitter. Criteria: ACMG Guidelines, 2015. Collection method: clinical testing. Allele origin: germline.